The following is an entry in ClinVar:

NM_053025.4(MYLK):c.4807C>G (p.Leu1603Val)

Gene: MYLK (myosin light chain kinase; minus strand). Cytogenetic location: 3q21.1.
Variant type: single nucleotide variant.
Coding change: c.4807C>G on transcript NM_053025.4 (MANE Select); coding-DNA position 4807, C replaced by G.
Protein change: p.Leu1603Val; replaces leucine 1603 with valine.
Molecular consequence: missense variant.
Genome position (GRCh38, 1-based): chr3:123,640,317, G>C on the plus strand (C>G on the coding strand, the complement: MYLK is on the minus strand). VCF-style: chr3-123640317-G-C. GRCh37 (hg19) VCF-style: chr3-123359164-G-C.
Other names: c.4600C>G, p.Leu1534Val (NM_053026.4, NM_053028.4); c.4279C>G, p.Leu1427Val (NM_001321309.2); c.4807C>G, p.Leu1603Val (NM_053027.4); short protein forms L1427V, L1534V, L1603V.
Identifiers: ClinVar variation 2567253 (VCV002567253.2), dbSNP rs2473238324, ClinGen allele CA354225908.

ClinVar aggregate classification (germline): Uncertain significance (1 of 4 stars; one submission).

Conditions:
Familial thoracic aortic aneurysm and aortic dissection (TAAD). Also called: Thoracic aortic aneurysms and dissections. Identifiers: Orphanet 91387, MedGen C4707243, MONDO:0019625.

Submission:

Ambry Genetics
Classification: Uncertain significance for Familial thoracic aortic aneurysm and aortic dissection. Last evaluated: 2023-05-14. Review status: criteria provided, single submitter. Criteria: Ambry Variant Classification Scheme 2023. Collection method: clinical testing. Allele origin: germline.
Comment: The p.L1603V variant (also known as c.4807C>G), located in coding exon 25 of the MYLK gene, results from a C to G substitution at nucleotide position 4807. The leucine at codon 1603 is replaced by valine, an amino acid with highly similar properties. This amino acid position is conserved. In addition, this alteration is predicted to be tolerated by in silico analysis. Since supporting evidence is limited at this time, the clinical significance of this alteration remains unclear.